The following is an entry in ClinVar:

ClinVar aggregate classification (germline): Uncertain significance (1 of 4 stars; one submission).

Submission:

Labcorp Genetics (formerly Invitae), Labcorp
Classification: Uncertain significance. Last evaluated: 2022-05-27. Review status: criteria provided, single submitter. Criteria: Invitae Variant Classification Sherloc (09022015). Collection method: clinical testing. Allele origin: germline.
Comment: In summary, the available evidence is currently insufficient to determine the role of this variant in disease. Therefore, it has been classified as a Variant of Uncertain Significance. Algorithms developed to predict the effect of missense changes on protein structure and function are either unavailable or do not agree on the potential impact of this missense change (SIFT: "Deleterious"; PolyPhen-2: "Probably Damaging"; Align-GVGD: "Class C0"). This variant has not been reported in the literature in individuals affected with USH1C-related conditions. This variant is not present in population databases (gnomAD no frequency). This sequence change replaces valine, which is neutral and non-polar, with glycine, which is neutral and non-polar, at codon 43 of the USH1C protein (p.Val43Gly).

NM_153676.4(USH1C):c.128T>G (p.Val43Gly)

Gene: USH1C (USH1 protein network component harmonin; minus strand). Cytogenetic location: 11p15.1.
Variant type: single nucleotide variant.
Coding change: c.128T>G on transcript NM_153676.4 (MANE Select); coding-DNA position 128, T replaced by G.
Protein change: p.Val43Gly; replaces valine 43 with glycine.
Molecular consequence: missense variant. On other transcripts: non-coding transcript variant (1).
Genome position (GRCh38, 1-based): chr11:17,531,519, A>C on the plus strand (T>G on the coding strand, the complement: USH1C is on the minus strand). VCF-style: chr11-17531519-A-C. GRCh37 (hg19) VCF-style: chr11-17553066-A-C.
Other names: c.128T>G, p.Val43Gly (NM_001297764.2, NM_005709.4); short protein forms V43G.
Identifiers: ClinVar variation 1468985 (VCV001468985.6), dbSNP rs1013399574, ClinGen allele CA218465440.